The following is an entry in ClinVar:

ClinVar aggregate classification (germline): Uncertain significance (1 of 4 stars; one submission).

Submission:

Labcorp Genetics (formerly Invitae), Labcorp
Classification: Uncertain significance. Last evaluated: 2025-07-14. Review status: criteria provided, single submitter. Criteria: Invitae Variant Classification Sherloc (09022015). Collection method: clinical testing. Allele origin: germline.
Comment: This sequence change replaces valine, which is neutral and non-polar, with methionine, which is neutral and non-polar, at codon 788 of the ATP2B2 protein (p.Val788Met). This variant is not present in population databases (gnomAD no frequency). This variant has not been reported in the literature in individuals affected with ATP2B2-related conditions. Invitae Evidence Modeling of protein sequence and biophysical properties (such as structural, functional, and spatial information, amino acid conservation, physicochemical variation, residue mobility, and thermodynamic stability) indicates that this missense variant is expected to disrupt ATP2B2 protein function with a positive predictive value of 80%. In summary, the available evidence is currently insufficient to determine the role of this variant in disease. Therefore, it has been classified as a Variant of Uncertain Significance.

NM_001001331.4(ATP2B2):c.2497G>A (p.Val833Met)

Gene: ATP2B2 (ATPase plasma membrane Ca2+ transporting 2; minus strand). Cytogenetic location: 3p25.3.
Variant type: single nucleotide variant.
Coding change: c.2497G>A on transcript NM_001001331.4 (MANE Select); coding-DNA position 2497, G replaced by A.
Protein change: p.Val833Met; replaces valine 833 with methionine.
Molecular consequence: missense variant.
Genome position (GRCh38, 1-based): chr3:10,346,045, C>T on the plus strand (G>A on the coding strand, the complement: ATP2B2 is on the minus strand). VCF-style: chr3-10346045-C-T. GRCh37 (hg19) VCF-style: chr3-10387729-C-T.
Other names: c.2362G>A, p.Val788Met (NM_001330611.3, NM_001353564.1, NM_001363862.1 and 2 more transcripts); c.2404G>A, p.Val802Met (NM_001438646.1); short protein forms V788M, V802M, V833M.
Identifiers: ClinVar variation 4740485 (VCV004740485.1).
Genomic context (GRCh38, chr3:10,346,045, plus strand): 5'-TCTCCCCAGCCCCCACCACCCCAGGCCCTCTGTGGGCCGTTCCTACCATGGCGAAGCCCA[C>T]GTCGGCCTTCTTGAGTGCAGGCCCGTCGTTGGTCCCGTCCCCCGTCACGGCCACCACCTG-3'
Protein context (NP_001001331.1, residues 823-843): NDGPALKKAD[Val833Met]GFAMGIAGTD